The following is an entry in ClinVar:

ClinVar aggregate classification (germline): Benign. Review status: criteria provided, single submitter (1 of 4 stars). 2 submissions from 2 submitters: Benign (1). 1 of the submissions does not count toward it. Last evaluated 2025-11-26.

Conditions:
Idiopathic generalized epilepsy. Also called: Generalised epilepsy; EIG. Identifiers: MedGen C0270850, MONDO:0005579, OMIM 600669.
RBFOX1-related disorder. Also called: RBFOX1-related condition.

Allele frequency attached by ClinVar (database versions not stated): 1000 Genomes Project 30x 0.00016; ESP Exome Variant Server 0.00023; TOPMed 0.00032; gnomAD 0.00051.
gnomAD v4.1: 652 of 1,602,894 alleles (0.041%); highest among the groups gnomAD compares: Non-Finnish European, 0.043%; no homozygotes.

Submissions (2):

Labcorp Genetics (formerly Invitae), Labcorp
Classification: Benign for Idiopathic generalized epilepsy. Last evaluated: 2025-11-26. Review status: criteria provided, single submitter. Criteria: Invitae Variant Classification Sherloc (09022015). Collection method: clinical testing. Allele origin: germline.

PreventionGenetics, part of Exact Sciences
Classification: Likely benign for RBFOX1-related condition. Last evaluated: 2020-02-07. Review status: no assertion criteria provided. Collection method: clinical testing. Allele origin: germline. Not counted in ClinVar's aggregate classification.
Comment: This variant is classified as likely benign based on ACMG/AMP sequence variant interpretation guidelines (Richards et al. 2015 PMID: 25741868, with internal and published modifications).

NM_018723.4(RBFOX1):c.270+10C>G

Gene: RBFOX1 (RNA binding fox-1 homolog 1; plus strand). Cytogenetic location: 16p13.3.
Variant type: single nucleotide variant.
Coding change: c.270+10C>G on transcript NM_018723.4 (MANE Select); 10 bases into the intron after coding-DNA position 270, C replaced by G.
Molecular consequence: intron variant.
Genome position (GRCh38, 1-based): chr16:7,518,399, C>G. VCF-style: chr16-7518399-C-G. GRCh37 (hg19) VCF-style: chr16-7568401-C-G.
Other names: c.270+10C>G (NM_001364800.2, NM_001142333.2, NM_001142334.2); c.399+10C>G (NM_001308117.1); c.330+10C>G (NM_145893.3, NM_145891.3, NM_145892.3).
Identifiers: ClinVar variation 460031 (VCV000460031.14), dbSNP rs113881725, ClinGen allele CA7891386.